The following is an entry in ClinVar:

NM_201384.3(PLEC):c.1169+43T>A

Gene: PLEC (plectin; minus strand). Cytogenetic location: 8q24.3.
Variant type: single nucleotide variant.
Coding change: c.1169+43T>A on transcript NM_201384.3 (MANE Select); 43 bases into the intron after coding-DNA position 1169, T replaced by A.
Molecular consequence: intron variant.
Genome position (GRCh38, 1-based): chr8:143,934,275, A>T on the plus strand (T>A on the coding strand, the complement: PLEC is on the minus strand). VCF-style: chr8-143934275-A-T. GRCh37 (hg19) VCF-style: chr8-145008443-A-T.
Other names: c.1250+43T>A (NM_000445.5); c.1127+43T>A (NM_201378.4); c.1103+43T>A (NM_201379.3); c.1580+43T>A (NM_201380.4); c.1073+43T>A (NM_201381.3); c.1169+43T>A (NM_201382.4); c.1181+43T>A (NM_201383.3).
Identifiers: ClinVar variation 256170 (VCV000256170.6), dbSNP rs11783772, ClinGen allele CA4928136.

ClinVar aggregate classification (germline): Benign. Review status: criteria provided, multiple submitters, no conflicts (2 of 4 stars). 8 submissions from 4 submitters: Benign (8). Last evaluated 2021-10-25.

Conditions:
Epidermolysis bullosa simplex with nail dystrophy (EBS5D). Identifiers: MedGen C4225309, MONDO:0014661, OMIM 616487.
Autosomal recessive limb-girdle muscular dystrophy type 2Q (LGMDR17). Also called: MUSCULAR DYSTROPHY, LIMB-GIRDLE, AUTOSOMAL RECESSIVE 17. Identifiers: Orphanet 254361, MedGen C3150989, MONDO:0013390, OMIM 613723.
Epidermolysis bullosa simplex, Ogna type (EBS5A). Also called: Pidermolysis bullosa simplex 5A, Ogna type; EPIDERMOLYSIS BULLOSA SIMPLEX 5A, OGNA TYPE. Identifiers: Orphanet 79401, MedGen C0432317, MONDO:0007555, OMIM 131950.
Epidermolysis bullosa simplex 5B, with muscular dystrophy (EBS5B). Also called: Epidermolysis bullosa simplex with muscular dystrophy; EPIDERMOLYSIS BULLOSA SIMPLEX AND LIMB-GIRDLE MUSCULAR DYSTROPHY. Identifiers: Orphanet 257, MedGen C2931072, MONDO:0009181, OMIM 226670.
Epidermolysis bullosa simplex 5C, with pyloric atresia (EBS5C). Also called: Epidermolysis bullosa simplex with pyloric atresia; PLEC-Related Epidermolysis Bullosa with Pyloric Atresia; PLEC1-Related Epidermolysis Bullosa with Pyloric Atresia. Identifiers: Orphanet 158684, MedGen C2677349, MONDO:0012807, OMIM 612138.

Allele frequency attached by ClinVar (database versions not stated): 1000 Genomes Project 30x 0.23173; 1000 Genomes Project 0.23203; TOPMed 0.27589; gnomAD 0.29193 and 0.29364; ESP Exome Variant Server 0.29567; ExAC 0.33010; gnomAD exomes 0.33025 and 0.37555.
gnomAD v4.1: 591,111 of 1,608,208 alleles (37%); highest among the groups gnomAD compares: Non-Finnish European, 40%; 113,851 homozygotes.

Submissions (9):

Genome-Nilou Lab
Classification: Benign for Epidermolysis bullosa simplex with nail dystrophy. Last evaluated: 2021-10-25. Review status: criteria provided, single submitter. Criteria: ACMG Guidelines, 2015. Collection method: clinical testing. Allele origin: germline. Affected: no.

Genome-Nilou Lab
Classification: Benign for Epidermolysis bullosa simplex, Ogna type. Last evaluated: 2021-10-25. Review status: criteria provided, single submitter. Criteria: ACMG Guidelines, 2015. Collection method: clinical testing. Allele origin: germline. Affected: no.

Genome-Nilou Lab
Classification: Benign for Epidermolysis bullosa simplex 5B, with muscular dystrophy. Last evaluated: 2021-10-25. Review status: criteria provided, single submitter. Criteria: ACMG Guidelines, 2015. Collection method: clinical testing. Allele origin: germline. Affected: no.

Genome-Nilou Lab
Classification: Benign for Epidermolysis bullosa simplex 5C, with pyloric atresia. Last evaluated: 2021-10-25. Review status: criteria provided, single submitter. Criteria: ACMG Guidelines, 2015. Collection method: clinical testing. Allele origin: germline. Affected: no.

Genome-Nilou Lab
Classification: Benign for Autosomal recessive limb-girdle muscular dystrophy type 2Q. Last evaluated: 2021-10-25. Review status: criteria provided, single submitter. Criteria: ACMG Guidelines, 2015. Collection method: clinical testing. Allele origin: germline. Affected: no.

GeneDx
Classification: Benign. Last evaluated: 2018-06-19. Review status: criteria provided, single submitter. Criteria: GeneDx Variant Classification (06012015). Collection method: clinical testing. Allele origin: germline. Affected: yes.
Comment: This variant is considered likely benign or benign based on one or more of the following criteria: it is a conservative change, it occurs at a poorly conserved position in the protein, it is predicted to be benign by multiple in silico algorithms, and/or has population frequency not consistent with disease.

Breakthrough Genomics
Classification: Benign. Review status: criteria provided, single submitter. Criteria: ACMG Guidelines, 2015. Collection method: not provided. Allele origin: germline. Inheritance: Autosomal recessive inheritance. Affected: yes.

PreventionGenetics, part of Exact Sciences
Classification: Benign. Review status: criteria provided, single submitter. Criteria: ACMG Guidelines, 2015. Collection method: clinical testing. Allele origin: germline.

Dr. Peter K. Rogan Lab, Western University
No classification provided (evidence only). Condition: Hepatocellular carcinoma. Review status: no classification provided. Collection method: in vitro. Allele origin: not applicable. Functional consequence: retained intron. Not counted in ClinVar's aggregate classification.